The following is an entry in ClinVar:

NM_177438.3(DICER1):c.5470G>A (p.Gly1824Arg)

Gene: DICER1 (dicer 1, ribonuclease III; minus strand). Cytogenetic location: 14q32.13.
Variant type: single nucleotide variant.
Coding change: c.5470G>A on transcript NM_177438.3 (MANE Select); coding-DNA position 5470, G replaced by A.
Protein change: p.Gly1824Arg; replaces glycine 1824 with arginine.
Molecular consequence: missense variant. On other transcripts: non-coding transcript variant (6), intron variant (1).
Genome position (GRCh38, 1-based): chr14:95,091,260, C>T on the plus strand (G>A on the coding strand, the complement: DICER1 is on the minus strand). VCF-style: chr14-95091260-C-T. GRCh37 (hg19) VCF-style: chr14-95557597-C-T.
Other names: c.5470G>A, p.Gly1824Arg (NM_001271282.3, NM_001291628.2, NM_001395677.1 and 8 more transcripts); c.5188G>A, p.Gly1730Arg (NM_001395686.1); c.5065G>A, p.Gly1689Arg (NM_001395687.1, NM_001395688.1, NM_001395689.1 and 1 more transcripts); c.4903G>A, p.Gly1635Arg (NM_001395691.1); c.3787G>A, p.Gly1263Arg (NM_001395697.1); c.5365-151G>A (NM_001195573.1); short protein forms G1635R, G1263R, G1689R, G1824R, G1730R.
Identifiers: ClinVar variation 2566163 (VCV002566163.2), dbSNP rs752411788, ClinGen allele CA265895034.

ClinVar aggregate classification (germline): Uncertain significance (1 of 4 stars; one submission).

Conditions:
Hereditary cancer-predisposing syndrome. Also called: Neoplastic Syndromes, Hereditary; Hereditary Cancer Syndrome; Hereditary neoplastic syndrome; Tumor predisposition. Identifiers: Orphanet 140162, MedGen C0027672, MeSH D009386, MONDO:0015356.

Submission:

Ambry Genetics
Classification: Uncertain significance for Hereditary cancer-predisposing syndrome. Last evaluated: 2023-04-03. Review status: criteria provided, single submitter. Criteria: Ambry Variant Classification Scheme 2023. Collection method: clinical testing. Allele origin: germline.
Comment: The p.G1824R variant (also known as c.5470G>A), located in coding exon 24 of the DICER1 gene, results from a G to A substitution at nucleotide position 5470. The glycine at codon 1824 is replaced by arginine, an amino acid with dissimilar properties. This amino acid position is conserved. In addition, this alteration is predicted to be deleterious by in silico analysis. Since supporting evidence is limited at this time, the clinical significance of this alteration remains unclear.